The following is an entry in ClinVar:

NM_001127222.2(CACNA1A):c.7408C>T (p.Arg2470Trp)

Gene: CACNA1A (calcium voltage-gated channel subunit alpha1 A; minus strand). Cytogenetic location: 19p13.13.
Variant type: single nucleotide variant.
Coding change: c.7408C>T on transcript NM_001127222.2 (MANE Select); coding-DNA position 7408, C replaced by T.
Protein change: p.Arg2470Trp; replaces arginine 2470 with tryptophan.
Molecular consequence: missense variant. On other transcripts: 3 prime UTR variant (3).
Genome position (GRCh38, 1-based): chr19:13,207,426, G>A on the plus strand (C>T on the coding strand, the complement: CACNA1A is on the minus strand). VCF-style: chr19-13207426-G-A. GRCh37 (hg19) VCF-style: chr19-13318240-G-A.
Other names: c.*620C>T (NM_000068.4, NM_001127221.2, NM_001174080.2); c.7426C>T, p.Arg2476Trp (NM_023035.3); short protein forms R2470W, R2476W.
Identifiers: ClinVar variation 2649374 (VCV002649374.24), dbSNP rs969032815, ClinGen allele CA404326899.
Genomic context (GRCh38, chr19:13,207,426, plus strand): 5'-AGCCCGGCCCGCGGGGCCTGGCCAGTCCGTGCGCCGGGTAGTAGCCGTTGGGGAGTCGCC[G>A]GCCGTGCCGAGAAGGCGAGGCGCAGGCCGGGCCCGAGGCCCGGGGAGTCCTGGGCGAGCG-3'
Protein context (NP_001120694.1, residues 2460-2480): PACASPSRHG[Arg2470Trp]RLPNGYYPAH

ClinVar aggregate classification (germline): Uncertain significance (1 of 4 stars; one submission).

gnomAD v4.1: 2 of 1,524,374 alleles (0.00013%); highest among the groups gnomAD compares: Non-Finnish European, 0.00018%; no homozygotes.

Submission:

CeGaT Center for Human Genetics Tuebingen
Classification: Uncertain significance. Last evaluated: 2022-08-01. Review status: criteria provided, single submitter. Criteria: CeGaT Center For Human Genetics Tuebingen Variant Classification Criteria Version 2. Collection method: clinical testing. Allele origin: germline. Affected: yes. Observed: 1 variant allele.
Comment: CACNA1A: PP2, PP3